The following is an entry in ClinVar:

ClinVar aggregate classification (germline): Uncertain significance. Review status: criteria provided, multiple submitters, no conflicts (2 of 4 stars). 3 submissions from 3 submitters: Uncertain significance (3). Last evaluated 2025-08-05.

Conditions:
Schuurs-Hoeijmakers syndrome. Also called: PACS1-Related Neurodevelopmental Disorder. Identifiers: Orphanet 329224, MedGen C3554343, MONDO:0014006, OMIM 615009.

Allele frequency attached by ClinVar (database versions not stated): TOPMed 0.00002; gnomAD exomes below 0.00001.
gnomAD v4.1: 3 of 1,614,126 alleles (0.00019%); highest among the groups gnomAD compares: African/African-American, 0.0013%; no homozygotes.

Submissions (3):

GeneDx
Classification: Uncertain significance. Last evaluated: 2025-08-05. Review status: criteria provided, single submitter. Criteria: GeneDx Variant Classification Process June 2021. Collection method: clinical testing. Allele origin: germline. Affected: yes.
Comment: Not observed in large population cohorts (gnomAD); In silico analysis supports that this missense variant has a deleterious effect on protein structure/function; Has not been previously published as pathogenic or benign to our knowledge

Labcorp Genetics (formerly Invitae), Labcorp
Classification: Uncertain significance for Schuurs-Hoeijmakers syndrome. Last evaluated: 2025-03-09. Review status: criteria provided, single submitter. Criteria: Invitae Variant Classification Sherloc (09022015). Collection method: clinical testing. Allele origin: germline.
Comment: This sequence change replaces aspartic acid, which is acidic and polar, with asparagine, which is neutral and polar, at codon 380 of the PACS1 protein (p.Asp380Asn). This variant is not present in population databases (gnomAD no frequency). This missense change has been observed in individual(s) with clinical features of PACS1-related conditions (internal data). ClinVar contains an entry for this variant (Variation ID: 1326015). Invitae Evidence Modeling of protein sequence and biophysical properties (such as structural, functional, and spatial information, amino acid conservation, physicochemical variation, residue mobility, and thermodynamic stability) indicates that this missense variant is expected to disrupt PACS1 protein function with a positive predictive value of 80%. In summary, the available evidence is currently insufficient to determine the role of this variant in disease. Therefore, it has been classified as a Variant of Uncertain Significance.

Women's Health and Genetics/Laboratory Corporation of America, LabCorp
Classification: Uncertain significance. Last evaluated: 2022-10-28. Review status: criteria provided, single submitter. Criteria: LabCorp Variant Classification Summary - May 2015. Collection method: clinical testing. Allele origin: germline.
Comment: Variant summary: PACS1 c.1138G>A (p.Asp380Asn) results in a conservative amino acid change in the encoded protein sequence. Three of five in-silico tools predict a benign effect of the variant on protein function. The variant was absent in 251414 control chromosomes. The available data on variant occurrences in the general population are insufficient to allow any conclusion about variant significance. To our knowledge, no occurrence of c.1138G>A in individuals affected with Schuurs-Hoeijmakers Syndrome and no experimental evidence demonstrating its impact on protein function have been reported. One clinical diagnostic laboratory has submitted clinical-significance assessments for this variant to ClinVar after 2014 without evidence for independent evaluation. One laboratory classified the variant as uncertain significance. Based on the evidence outlined above, the variant was classified as uncertain significance.

NM_018026.4(PACS1):c.1138G>A (p.Asp380Asn)

Gene: PACS1 (phosphofurin acidic cluster sorting protein 1; plus strand). Cytogenetic location: 11q13.2.
Variant type: single nucleotide variant.
Coding change: c.1138G>A on transcript NM_018026.4 (MANE Select); coding-DNA position 1138, G replaced by A.
Protein change: p.Asp380Asn; replaces aspartic acid 380 with asparagine.
Molecular consequence: missense variant.
Genome position (GRCh38, 1-based): chr11:66,220,730, G>A. VCF-style: chr11-66220730-G-A. GRCh37 (hg19) VCF-style: chr11-65988201-G-A.
Other names: short protein forms D380N.
Identifiers: ClinVar variation 1326015 (VCV001326015.5), dbSNP rs940755396, ClinGen allele CA224029282.
Genomic context (GRCh38, chr11:66,220,730, plus strand): 5'-CGGGAAGTGGAAGAGGACTTGGATGAATTGTATGACAGTCTGGAGATGTACAACCCCAGC[G>A]ACAGTGGCCCTGAGATGGAGGAGACAGAAAGCATCCTCAGCACGCCAAAGCCCAAGCTCA-3'
Protein context (NP_060496.2, residues 370-390): YDSLEMYNPS[Asp380Asn]SGPEMEETES